The following is an entry in ClinVar:

ClinVar aggregate classification (germline): Uncertain significance. Review status: criteria provided, multiple submitters, no conflicts (2 of 4 stars). 2 submissions from 2 submitters: Uncertain significance (2). Last evaluated 2025-08-10.

Conditions:
Inborn genetic diseases. Identifiers: MedGen C0950123, MeSH D030342.
Primary ciliary dyskinesia 30. Also called: CILIARY DYSKINESIA, PRIMARY, 30, WITH OR WITHOUT SITUS INVERSUS. Identifiers: Orphanet 244, MedGen C4015016, MONDO:0014465, OMIM 616037.

Allele frequency attached by ClinVar (database versions not stated): gnomAD exomes below 0.00001; TOPMed below 0.00001; gnomAD 0.00001; ExAC 0.00002.

Submissions (2):

Ambry Genetics
Classification: Uncertain significance for Inborn genetic diseases. Last evaluated: 2025-08-10. Review status: criteria provided, single submitter. Criteria: Ambry Variant Classification Scheme 2023. Collection method: clinical testing. Allele origin: germline.

Labcorp Genetics (formerly Invitae), Labcorp
Classification: Uncertain significance for Primary ciliary dyskinesia 30. Last evaluated: 2022-08-06. Review status: criteria provided, single submitter. Criteria: Invitae Variant Classification Sherloc (09022015). Collection method: clinical testing. Allele origin: germline.
Comment: This sequence change replaces leucine, which is neutral and non-polar, with proline, which is neutral and non-polar, at codon 106 of the CCDC151 protein (p.Leu106Pro). This variant is present in population databases (rs777505147, gnomAD 0.002%). This variant has not been reported in the literature in individuals affected with CCDC151-related conditions. Algorithms developed to predict the effect of missense changes on protein structure and function (SIFT, PolyPhen-2, Align-GVGD) all suggest that this variant is likely to be disruptive. In summary, the available evidence is currently insufficient to determine the role of this variant in disease. Therefore, it has been classified as a Variant of Uncertain Significance.

NM_145045.5(ODAD3):c.317T>C (p.Leu106Pro)

Gene: ODAD3 (outer dynein arm docking complex subunit 3; minus strand). Cytogenetic location: 19p13.2.
Variant type: single nucleotide variant.
Coding change: c.317T>C on transcript NM_145045.5 (MANE Select); coding-DNA position 317, T replaced by C.
Protein change: p.Leu106Pro; replaces leucine 106 with proline.
Molecular consequence: missense variant.
Genome position (GRCh38, 1-based): chr19:11,430,948, A>G on the plus strand (T>C on the coding strand, the complement: ODAD3 is on the minus strand). VCF-style: chr19-11430948-A-G. GRCh37 (hg19) VCF-style: chr19-11541768-A-G.
Other names: c.317T>C (NM_145045.4); c.155T>C, p.Leu52Pro (NM_001302453.1); c.317T>C, p.Leu106Pro (NM_001302454.2); short protein forms L106P, L52P.
Identifiers: ClinVar variation 2149536 (VCV002149536.5), dbSNP rs777505147, ClinGen allele CA9212461.